The following is an entry in ClinVar:

NM_001242896.3(DEPDC5):c.1794T>G (p.Ile598Met)

Gene: DEPDC5 (DEP domain containing 5, GATOR1 subcomplex subunit; plus strand). Cytogenetic location: 22q12.3.
Variant type: single nucleotide variant.
Coding change: c.1794T>G on transcript NM_001242896.3 (MANE Select); coding-DNA position 1794, T replaced by G.
Protein change: p.Ile598Met; replaces isoleucine 598 with methionine.
Molecular consequence: missense variant. On other transcripts: non-coding transcript variant (5).
Genome position (GRCh38, 1-based): chr22:31,819,149, T>G. VCF-style: chr22-31819149-T-G. GRCh37 (hg19) VCF-style: chr22-32215135-T-G.
Other names: c.1794T>G, p.Ile598Met (NM_001136029.4, NM_001242897.2, NM_001363852.2 and 6 more transcripts); c.1710T>G, p.Ile570Met (NM_001369901.1, NM_001369902.1); short protein forms I598M, I570M.
Identifiers: ClinVar variation 573150 (VCV000573150.12), dbSNP rs918653735, ClinGen allele CA323319759.

ClinVar aggregate classification (germline): Uncertain significance. Review status: criteria provided, multiple submitters, no conflicts (2 of 4 stars). 2 submissions from 2 submitters: Uncertain significance (2). Last evaluated 2025-10-13.

Conditions:
Familial focal epilepsy with variable foci (FPEVF). Identifiers: Orphanet 98820, MedGen C1858477, MONDO:0020310.
Inborn genetic diseases. Identifiers: MedGen C0950123, MeSH D030342.

Allele frequency attached by ClinVar (database versions not stated): gnomAD exomes below 0.00001; gnomAD 0.00001; TOPMed 0.00001.
gnomAD v4.1: 8 of 1,614,044 alleles (0.0005%); highest among the groups gnomAD compares: Non-Finnish European, 0.00059%; no homozygotes.

Submissions (2):

Labcorp Genetics (formerly Invitae), Labcorp
Classification: Uncertain significance for Familial focal epilepsy with variable foci. Last evaluated: 2025-10-13. Review status: criteria provided, single submitter. Criteria: Invitae Variant Classification Sherloc (09022015). Collection method: clinical testing. Allele origin: germline.
Comment: This sequence change replaces isoleucine, which is neutral and non-polar, with methionine, which is neutral and non-polar, at codon 598 of the DEPDC5 protein (p.Ile598Met). This variant is present in population databases (no rsID available, gnomAD 0.0009%). This variant has not been reported in the literature in individuals affected with DEPDC5-related conditions. ClinVar contains an entry for this variant (Variation ID: 573150). Experimental studies and prediction algorithms are not available or were not evaluated, and the functional significance of this variant is currently unknown. In summary, the available evidence is currently insufficient to determine the role of this variant in disease. Therefore, it has been classified as a Variant of Uncertain Significance.

Ambry Genetics
Classification: Uncertain significance for Inborn genetic diseases. Last evaluated: 2018-07-23. Review status: criteria provided, single submitter. Criteria: Ambry Variant Classification Scheme 2023. Collection method: clinical testing. Allele origin: germline.
Comment: The p.I598M variant (also known as c.1794T>G), located in coding exon 21 of the DEPDC5 gene, results from a T to G substitution at nucleotide position 1794. The isoleucine at codon 598 is replaced by methionine, an amino acid with highly similar properties. This amino acid position is highly conserved in available vertebrate species. In addition, the in silico prediction for this alteration is inconclusive. Since supporting evidence is limited at this time, the clinical significance of this alteration remains unclear.